The following is an entry in ClinVar:

ClinVar aggregate classification (germline): Benign/Likely benign. Review status: criteria provided, multiple submitters, no conflicts (2 of 4 stars). 2 submissions from 2 submitters: Benign (1); Likely benign (1). Last evaluated 2024-05-14.

Conditions:
Hereditary cancer-predisposing syndrome. Also called: Tumor predisposition; Hereditary Cancer Syndrome; Hereditary neoplastic syndrome; Neoplastic Syndromes, Hereditary. Identifiers: Orphanet 140162, MedGen C0027672, MeSH D009386, MONDO:0015356.
Familial cancer of breast. Also called: BREAST CANCER, FAMILIAL; Hereditary breast cancer; hereditary breast carcinoma. Identifiers: Orphanet 227535, MedGen C0346153, MONDO:0016419, OMIM 114480. Disease mechanism: loss of function.

Submissions (2):

Myriad Genetics, Inc.
Classification: Benign for Familial cancer of breast. Last evaluated: 2024-05-14. Review status: criteria provided, single submitter. Criteria: Myriad Autosomal Dominant, Autosomal Recessive and X-Linked Classification Criteria (2023). Collection method: clinical testing. Allele origin: unknown.
Comment: This variant is considered benign. This variant is a silent/synonymous amino acid change and it is not expected to impact splicing.

Ambry Genetics
Classification: Likely benign for Hereditary cancer-predisposing syndrome. Last evaluated: 2019-06-28. Review status: criteria provided, single submitter. Criteria: Ambry Variant Classification Scheme 2023. Collection method: clinical testing. Allele origin: germline.

NM_000051.4(ATM):c.3448A>C (p.Arg1150=)

Gene: ATM (ATM serine/threonine kinase; plus strand). Cytogenetic location: 11q22.3.
Variant type: single nucleotide variant.
Coding change: c.3448A>C on transcript NM_000051.4 (MANE Select); coding-DNA position 3448, A replaced by C.
Protein change: p.Arg1150=; no amino-acid change (arginine 1150 retained).
Molecular consequence: synonymous variant.
Genome position (GRCh38, 1-based): chr11:108,281,040, A>C. VCF-style: chr11-108281040-A-C. GRCh37 (hg19) VCF-style: chr11-108151767-A-C.
Other names: c.3448A>C, p.Arg1150= (NM_001351834.2).
Identifiers: ClinVar variation 183992 (VCV000183992.6), dbSNP rs786201209, ClinGen allele CA187418.